The following is an entry in ClinVar:

NM_001127222.2(CACNA1A):c.2105A>T (p.Tyr702Phe)

Gene: CACNA1A (calcium voltage-gated channel subunit alpha1 A; minus strand). Cytogenetic location: 19p13.13.
Variant type: single nucleotide variant.
Coding change: c.2105A>T on transcript NM_001127222.2 (MANE Select); coding-DNA position 2105, A replaced by T.
Protein change: p.Tyr702Phe; replaces tyrosine 702 with phenylalanine.
Molecular consequence: missense variant.
Genome position (GRCh38, 1-based): chr19:13,303,613, T>A on the plus strand (A>T on the coding strand, the complement: CACNA1A is on the minus strand). VCF-style: chr19-13303613-T-A. GRCh37 (hg19) VCF-style: chr19-13414427-T-A.
Other names: c.2108A>T, p.Tyr703Phe (NM_000068.4, NM_001127221.2, NM_001174080.2 and 1 more transcripts); short protein forms Y702F, Y703F.
Identifiers: ClinVar variation 1045721 (VCV001045721.9), dbSNP rs2057837052, ClinGen allele CA404344240.

ClinVar aggregate classification (germline): Uncertain significance (1 of 4 stars; one submission).

Conditions:
Developmental and epileptic encephalopathy, 42 (DEE42A). Also called: DEVELOPMENTAL AND EPILEPTIC ENCEPHALOPATHY 42A; EPILEPTIC ENCEPHALOPATHY, EARLY INFANTILE, 42A; Epileptic encephalopathy, early infantile, 42. Identifiers: MedGen C4310716, MONDO:0014917, OMIM 617106.
Episodic ataxia type 2 (EA2). Also called: CEREBELLAR ATAXIA, PAROXYSMAL, ACETAZOLAMIDE-RESPONSIVE; CEREBELLOPATHY, HEREDITARY PAROXYSMAL; EPISODIC ATAXIA, NYSTAGMUS-ASSOCIATED; ACETAZOLAMIDE-RESPONSIVE HEREDITARY PAROXYSMAL CEREBELLAR ATAXIA; ATAXIA, EPISODIC, WITH NYSTAGMUS; ATAXIA, FAMILIAL PAROXYSMAL. Identifiers: Orphanet 97, MedGen C1720416, MONDO:0007163, OMIM 108500.

Submission:

Labcorp Genetics (formerly Invitae), Labcorp
Classification: Uncertain significance for Developmental and epileptic encephalopathy, 42; Episodic ataxia type 2. Last evaluated: 2020-04-29. Review status: criteria provided, single submitter. Criteria: Invitae Variant Classification Sherloc (09022015). Collection method: clinical testing. Allele origin: germline.
Comment: In summary, the available evidence is currently insufficient to determine the role of this variant in disease. Therefore, it has been classified as a Variant of Uncertain Significance. Algorithms developed to predict the effect of sequence changes on RNA splicing suggest that this variant may disrupt the consensus splice site, but this prediction has not been confirmed by published transcriptional studies. This sequence change replaces tyrosine with phenylalanine at codon 703 of the CACNA1A protein (p.Tyr703Phe). The tyrosine residue is highly conserved and there is a small physicochemical difference between tyrosine and phenylalanine. This variant is not present in population databases (ExAC no frequency). This variant has not been reported in the literature in individuals with CACNA1A-related conditions. Algorithms developed to predict the effect of missense changes on protein structure and function are either unavailable or do not agree on the potential impact of this missense change (SIFT: "Deleterious"; PolyPhen-2: "Possibly Damaging"; Align-GVGD: "Class C0").